The following is an entry in ClinVar:

ClinVar aggregate classification (germline): Conflicting classifications of pathogenicity. Review status: criteria provided, conflicting classifications (1 of 4 stars). 2 submissions from 2 submitters: Uncertain significance (1); Likely benign (1). Last evaluated 2024-07-23.

Conditions:
Cardiovascular phenotype. Identifiers: MedGen CN230736.

Allele frequency attached by ClinVar (database versions not stated): gnomAD exomes 0.00003; gnomAD 0.00005; TOPMed 0.00007; ExAC 0.00008; 1000 Genomes Project 0.00040; 1000 Genomes Project 30x 0.00047.
gnomAD v4.1: 65 of 1,613,408 alleles (0.004%); highest among the groups gnomAD compares: Middle Eastern, 0.016%; no homozygotes.

Submissions (2):

Labcorp Genetics (formerly Invitae), Labcorp
Classification: Uncertain significance. Last evaluated: 2024-07-23. Review status: criteria provided, single submitter. Criteria: Invitae Variant Classification Sherloc (09022015). Collection method: clinical testing. Allele origin: germline.
Comment: This sequence change replaces arginine, which is basic and polar, with glutamine, which is neutral and polar, at codon 384 of the EPHB4 protein (p.Arg384Gln). This variant is present in population databases (rs569874323, gnomAD 0.02%), and has an allele count higher than expected for a pathogenic variant. This variant has not been reported in the literature in individuals affected with EPHB4-related conditions. ClinVar contains an entry for this variant (Variation ID: 1734178). Advanced modeling of protein sequence and biophysical properties (such as structural, functional, and spatial information, amino acid conservation, physicochemical variation, residue mobility, and thermodynamic stability) performed at Invitae indicates that this missense variant is not expected to disrupt EPHB4 protein function with a negative predictive value of 80%. In summary, the available evidence is currently insufficient to determine the role of this variant in disease. Therefore, it has been classified as a Variant of Uncertain Significance.

Ambry Genetics
Classification: Likely benign for Cardiovascular phenotype. Last evaluated: 2022-04-04. Review status: criteria provided, single submitter. Criteria: Ambry Variant Classification Scheme 2023. Collection method: clinical testing. Allele origin: germline.

NM_004444.5(EPHB4):c.1151G>A (p.Arg384Gln)

Gene: EPHB4 (EPH receptor B4; minus strand). Cytogenetic location: 7q22.1.
Variant type: single nucleotide variant.
Coding change: c.1151G>A on transcript NM_004444.5 (MANE Select); coding-DNA position 1151, G replaced by A.
Protein change: p.Arg384Gln; replaces arginine 384 with glutamine.
Molecular consequence: missense variant.
Genome position (GRCh38, 1-based): chr7:100,819,703, C>T on the plus strand (G>A on the coding strand, the complement: EPHB4 is on the minus strand). VCF-style: chr7-100819703-C-T. GRCh37 (hg19) VCF-style: chr7-100417325-C-T.
Other names: short protein forms R384Q.
Identifiers: ClinVar variation 1734178 (VCV001734178.5), dbSNP rs569874323, ClinGen allele CA4393084.